The following is an entry in ClinVar:

ClinVar aggregate classification (germline): Likely pathogenic (1 of 4 stars; one submission).

Conditions:
Factor VIII deficiency. Identifiers: MedGen C3494187, OMIM 134500.

Submission:

North West Genomic Laboratory Hub, Manchester University NHS Foundation Trust
Classification: Likely pathogenic for Factor VIII deficiency. Last evaluated: 2026-02-16. Review status: criteria provided, single submitter. Criteria: ACGS Best Practice Guidelines for Variant Classification in Rare Disease 2024. Collection method: clinical testing. Allele origin: germline. Affected: yes.
Comment: PP4_Mod PM5_Supp PP3_Supp PM2_Mod

NM_000132.4(F8):c.79G>T (p.Gly27Cys)

Gene: F8 (coagulation factor VIII; minus strand). Cytogenetic location: Xq28.
Variant type: single nucleotide variant.
Coding change: c.79G>T on transcript NM_000132.4 (MANE Select); coding-DNA position 79, G replaced by T.
Protein change: p.Gly27Cys; replaces glycine 27 with cysteine.
Molecular consequence: missense variant.
Genome position (GRCh38, 1-based): chrX:155,022,474, C>A on the plus strand (G>T on the coding strand, the complement: F8 is on the minus strand). VCF-style: chrX-155022474-C-A. GRCh37 (hg19) VCF-style: chrX-154250749-C-A.
Other names: short protein forms G27C.
Identifiers: ClinVar variation 4857324 (VCV004857324.1).